The following is an entry in ClinVar:

ClinVar aggregate classification (germline): Uncertain significance (1 of 4 stars; one submission).

Submission:

Labcorp Genetics (formerly Invitae), Labcorp
Classification: Uncertain significance. Last evaluated: 2021-10-28. Review status: criteria provided, single submitter. Criteria: Invitae Variant Classification Sherloc (09022015). Collection method: clinical testing. Allele origin: germline.
Comment: In summary, the available evidence is currently insufficient to determine the role of this variant in disease. Therefore, it has been classified as a Variant of Uncertain Significance. Algorithms developed to predict the effect of missense changes on protein structure and function are either unavailable or do not agree on the potential impact of this missense change (SIFT: "Deleterious"; PolyPhen-2: "Possibly Damaging"; Align-GVGD: "Class C0"). This variant has not been reported in the literature in individuals affected with POLE-related conditions. This variant is not present in population databases (gnomAD no frequency). This sequence change replaces tyrosine, which is neutral and polar, with phenylalanine, which is neutral and non-polar, at codon 187 of the POLE protein (p.Tyr187Phe).

NM_006231.4(POLE):c.560A>T (p.Tyr187Phe)

Gene: POLE (DNA polymerase epsilon, catalytic subunit; minus strand). Cytogenetic location: 12q24.33.
Variant type: single nucleotide variant.
Coding change: c.560A>T on transcript NM_006231.4 (MANE Select); coding-DNA position 560, A replaced by T.
Protein change: p.Tyr187Phe; replaces tyrosine 187 with phenylalanine.
Molecular consequence: missense variant.
Genome position (GRCh38, 1-based): chr12:132,679,515, T>A on the plus strand (A>T on the coding strand, the complement: POLE is on the minus strand). VCF-style: chr12-132679515-T-A. GRCh37 (hg19) VCF-style: chr12-133256101-T-A.
Other names: short protein forms Y187F.
Identifiers: ClinVar variation 1500035 (VCV001500035.6), dbSNP rs2043122011, ClinGen allele CA387366704.